The following is an entry in ClinVar:

NM_000321.3(RB1):c.137+7G>T

Gene: RB1 (RB transcriptional corepressor 1; plus strand). Cytogenetic location: 13q14.2.
Variant type: single nucleotide variant.
Coding change: c.137+7G>T on transcript NM_000321.3 (MANE Select); 7 bases into the intron after coding-DNA position 137, G replaced by T.
Molecular consequence: intron variant.
Genome position (GRCh38, 1-based): chr13:48,304,056, G>T. VCF-style: chr13-48304056-G-T. GRCh37 (hg19) VCF-style: chr13-48878192-G-T.
Other names: c.137+7G>T (NM_001407167.1, NM_001407165.1, NM_001407166.1).
Identifiers: ClinVar variation 2915874 (VCV002915874.4), dbSNP rs1952055240, ClinGen allele CA2622977320.

ClinVar aggregate classification (germline): Likely benign. Review status: criteria provided, multiple submitters, no conflicts (2 of 4 stars). 2 submissions from 2 submitters: Likely benign (2). Last evaluated 2026-06-18.

Conditions:
Retinoblastoma (RB1). Also called: RETINOBLASTOMA, SOMATIC. Identifiers: Orphanet 790, MedGen C0035335, MeSH D012175, MONDO:0008380, OMIM 180200, HP:0009919. Disease mechanism: loss of function. Inheritance: Both sporadic and heritable forms are tested..

Submissions (2):

Myriad Genetics, Inc.
Classification: Likely benign for Retinoblastoma. Last evaluated: 2026-06-18. Review status: criteria provided, single submitter. Criteria: Myriad Autosomal Dominant, Autosomal Recessive and X-Linked Classification Criteria (2023). Collection method: clinical testing. Allele origin: unknown.
Comment: This variant is considered likely benign. This variant is intronic and is not expected to impact mRNA splicing.

Labcorp Genetics (formerly Invitae), Labcorp
Classification: Likely benign for Retinoblastoma. Last evaluated: 2023-07-03. Review status: criteria provided, single submitter. Criteria: Invitae Variant Classification Sherloc (09022015). Collection method: clinical testing. Allele origin: germline.